The following is an entry in ClinVar:

NM_000540.3(RYR1):c.2070C>T (p.Gly690=)

Gene: RYR1 (ryanodine receptor 1; plus strand). Cytogenetic location: 19q13.2.
Variant type: single nucleotide variant.
Coding change: c.2070C>T on transcript NM_000540.3 (MANE Select); coding-DNA position 2070, C replaced by T.
Protein change: p.Gly690=; no amino-acid change (glycine 690 retained).
Molecular consequence: synonymous variant.
Genome position (GRCh38, 1-based): chr19:38,458,195, C>T. VCF-style: chr19-38458195-C-T. GRCh37 (hg19) VCF-style: chr19-38948835-C-T.
Other names: c.2070C>T, p.Gly690= (NM_001042723.2).
Identifiers: ClinVar variation 4682088 (VCV004682088.5).
Genomic context (GRCh38, chr19:38,458,195, plus strand): 5'-GACTCCATTTCTGACAGCTCAGGCCACCCACTTGCGGGTGGGCTGGGCCCTCACCGAGGG[C>T]TACACCCCCTACCCTGGGGCCGGCGAGGGCTGGGGCGGCAACGGGGTCGGCGATGACCTC-3'
Protein context (NP_000531.2, residues 680-700): HLRVGWALTE[Gly690=]YTPYPGAGEG

ClinVar aggregate classification (germline): Likely benign (1 of 4 stars; one submission).

Submission:

CeGaT Center for Human Genetics Tuebingen
Classification: Likely benign. Last evaluated: 2025-12-01. Review status: criteria provided, single submitter. Criteria: CeGaT Center For Human Genetics Tuebingen Variant Classification Criteria Version 2. Collection method: clinical testing. Allele origin: germline. Affected: yes. Observed: 1 variant allele.
Comment: RYR1: PM2:Supporting, BP4, BP7